The following is an entry in ClinVar:

NM_002661.5(PLCG2):c.1837C>T (p.Leu613Phe)

Gene: PLCG2 (phospholipase C gamma 2; plus strand). Cytogenetic location: 16q23.3.
Variant type: single nucleotide variant.
Coding change: c.1837C>T on transcript NM_002661.5 (MANE Select); coding-DNA position 1837, C replaced by T.
Protein change: p.Leu613Phe; replaces leucine 613 with phenylalanine.
Molecular consequence: missense variant.
Genome position (GRCh38, 1-based): chr16:81,910,623, C>T. VCF-style: chr16-81910623-C-T. GRCh37 (hg19) VCF-style: chr16-81944228-C-T.
Other names: short protein forms L613F.
Identifiers: ClinVar variation 1899648 (VCV001899648.5), dbSNP rs1909578178, ClinGen allele CA396900990.
Genomic context (GRCh38, chr16:81,910,623, plus strand): 5'-GAGGGCGGGACCCTGAAATACTACTTGACTGACAACCTCACCTTCAGCAGCATCTATGCC[C>T]TCATCCAGCACTACCGCGAGACGCACCTGCGCTGCGCCGAGTTCGAGCTGCGGCTCACGG-3'
Protein context (NP_002652.2, residues 603-623): DNLTFSSIYA[Leu613Phe]IQHYRETHLR

ClinVar aggregate classification (germline): Uncertain significance (1 of 4 stars; one submission).

Conditions:
Familial cold autoinflammatory syndrome 3 (FCAS3). Also called: FAMILIAL ATYPICAL COLD URTICARIA; ANTIBODY DEFICIENCY AND IMMUNE DYSREGULATION, PLCG2-ASSOCIATED. Identifiers: Orphanet 300359, MedGen C3280914, MONDO:0013766, OMIM 614468.

Allele frequency attached by ClinVar (database versions not stated): TOPMed 0.00001; gnomAD exomes below 0.00001.
gnomAD v4.1: 3 of 1,614,114 alleles (0.00019%); highest among the groups gnomAD compares: Non-Finnish European, 0.00025%; no homozygotes.

Submission:

Labcorp Genetics (formerly Invitae), Labcorp
Classification: Uncertain significance for Familial cold autoinflammatory syndrome 3. Last evaluated: 2022-05-10. Review status: criteria provided, single submitter. Criteria: Invitae Variant Classification Sherloc (09022015). Collection method: clinical testing. Allele origin: germline.
Comment: In summary, the available evidence is currently insufficient to determine the role of this variant in disease. Therefore, it has been classified as a Variant of Uncertain Significance. Algorithms developed to predict the effect of missense changes on protein structure and function are either unavailable or do not agree on the potential impact of this missense change (SIFT: "Deleterious"; PolyPhen-2: "Probably Damaging"; Align-GVGD: "Class C15"). This variant has not been reported in the literature in individuals affected with PLCG2-related conditions. This variant is not present in population databases (gnomAD no frequency). This sequence change replaces leucine, which is neutral and non-polar, with phenylalanine, which is neutral and non-polar, at codon 613 of the PLCG2 protein (p.Leu613Phe).